The following is an entry in ClinVar:

NM_024642.5(GALNT12):c.604G>C (p.Ala202Pro)

Gene: GALNT12 (polypeptide N-acetylgalactosaminyltransferase 12; plus strand). Cytogenetic location: 9q22.33.
Variant type: single nucleotide variant.
Coding change: c.604G>C on transcript NM_024642.5 (MANE Select); coding-DNA position 604, G replaced by C.
Protein change: p.Ala202Pro; replaces alanine 202 with proline.
Molecular consequence: missense variant.
Genome position (GRCh38, 1-based): chr9:98,826,814, G>C. VCF-style: chr9-98826814-G-C. GRCh37 (hg19) VCF-style: chr9-101589096-G-C.
Other names: short protein forms A202P.
Identifiers: ClinVar variation 2566276 (VCV002566276.2), dbSNP rs762155395, ClinGen allele CA374217475.

ClinVar aggregate classification (germline): Uncertain significance (1 of 4 stars; one submission).

Submission:

Ambry Genetics
Classification: Uncertain significance. Last evaluated: 2023-05-30. Review status: criteria provided, single submitter. Criteria: Ambry Variant Classification Scheme 2023. Collection method: clinical testing. Allele origin: germline.
Comment: The p.A202P variant (also known as c.604G>C), located in coding exon 3 of the GALNT12 gene, results from a G to C substitution at nucleotide position 604. The alanine at codon 202 is replaced by proline, an amino acid with highly similar properties. This amino acid position is conserved. In addition, this alteration is predicted to be deleterious by in silico analysis. Since supporting evidence is limited at this time, the clinical significance of this alteration remains unclear.